The following is an entry in ClinVar:

NM_198253.3(TERT):c.1278T>G (p.Cys426Trp)

Gene: TERT (telomerase reverse transcriptase; minus strand). Cytogenetic location: 5p15.33.
Variant type: single nucleotide variant.
Coding change: c.1278T>G on transcript NM_198253.3 (MANE Select); coding-DNA position 1278, T replaced by G.
Protein change: p.Cys426Trp; replaces cysteine 426 with tryptophan.
Molecular consequence: missense variant. On other transcripts: non-coding transcript variant (2).
Genome position (GRCh38, 1-based): chr5:1,293,608, A>C on the plus strand (T>G on the coding strand, the complement: TERT is on the minus strand). VCF-style: chr5-1293608-A-C. GRCh37 (hg19) VCF-style: chr5-1293723-A-C.
Other names: c.1278T>G, p.Cys426Trp (NM_001193376.3); c.1278T>G (NM_198253.2); short protein forms C426W.
Identifiers: ClinVar variation 1025387 (VCV001025387.8), dbSNP rs1326706015, ClinGen allele CA359086382.

ClinVar aggregate classification (germline): Uncertain significance. Review status: criteria provided, multiple submitters, no conflicts (2 of 4 stars). 3 submissions from 3 submitters: Uncertain significance (3). Last evaluated 2024-01-07.

Conditions:
Idiopathic Pulmonary Fibrosis. Also called: Idiopathic fibrosing alveolitis, chronic form; idiopathic fibrosing alveolitis. Identifiers: Orphanet 2032, MedGen C1800706, MeSH D054990, MONDO:0800504.
Dyskeratosis congenita, autosomal dominant 2. Identifiers: MedGen C3151443, MONDO:0013521, OMIM 613989.
Dyskeratosis congenita. Identifiers: Orphanet 1775, MedGen C0265965, MONDO:0015780.

gnomAD v4.1: 1 of 1,549,264 alleles (0.000065%); highest among the groups gnomAD compares: Non-Finnish European, 0.000087%; no homozygotes.

Submissions (3):

GeneDx
Classification: Uncertain significance. Last evaluated: 2024-01-07. Review status: criteria provided, single submitter. Criteria: GeneDx Variant Classification Process June 2021. Collection method: clinical testing. Allele origin: germline. Affected: yes.
Comment: Not observed at significant frequency in large population cohorts (gnomAD); In silico analysis supports that this missense variant does not alter protein structure/function; Has not been previously published as pathogenic or benign to our knowledge

Ambry Genetics
Classification: Uncertain significance for Dyskeratosis congenita. Last evaluated: 2023-12-21. Review status: criteria provided, single submitter. Criteria: Ambry Variant Classification Scheme 2023. Collection method: clinical testing. Allele origin: germline.
Comment: The p.C426W variant (also known as c.1278T>G), located in coding exon 2 of the TERT gene, results from a T to G substitution at nucleotide position 1278. The cysteine at codon 426 is replaced by tryptophan, an amino acid with highly dissimilar properties. This amino acid position is conserved. In addition, the in silico prediction for this alteration is inconclusive. Since supporting evidence is limited at this time, the clinical significance of this alteration remains unclear.

Labcorp Genetics (formerly Invitae), Labcorp
Classification: Uncertain significance for Dyskeratosis congenita, autosomal dominant 2; Idiopathic Pulmonary Fibrosis. Last evaluated: 2021-08-31. Review status: criteria provided, single submitter. Criteria: Invitae Variant Classification Sherloc (09022015). Collection method: clinical testing. Allele origin: germline.
Comment: This sequence change replaces cysteine with tryptophan at codon 426 of the TERT protein (p.Cys426Trp). The cysteine residue is weakly conserved and there is a large physicochemical difference between cysteine and tryptophan. The frequency data for this variant in the population databases is considered unreliable, as metrics indicate insufficient coverage at this position in the ExAC database. This variant has not been reported in the literature in individuals affected with TERT-related conditions. Algorithms developed to predict the effect of missense changes on protein structure and function are either unavailable or do not agree on the potential impact of this missense change (SIFT: "Tolerated"; PolyPhen-2: "Possibly Damaging"; Align-GVGD: "Class C0"). In summary, the available evidence is currently insufficient to determine the role of this variant in disease. Therefore, it has been classified as a Variant of Uncertain Significance.